The following is an entry in ClinVar:

NM_016306.6(DNAJB11):c.682G>T (p.Gly228Cys)

Gene: DNAJB11 (DnaJ heat shock protein family (Hsp40) member B11; plus strand). Cytogenetic location: 3q27.3.
Variant type: single nucleotide variant.
Coding change: c.682G>T on transcript NM_016306.6 (MANE Select); coding-DNA position 682, G replaced by T.
Protein change: p.Gly228Cys; replaces glycine 228 with cysteine.
Molecular consequence: missense variant. On other transcripts: non-coding transcript variant (6).
Genome position (GRCh38, 1-based): chr3:186,582,077, G>T. VCF-style: chr3-186582077-G-T. GRCh37 (hg19) VCF-style: chr3-186299866-G-T.
Other names: p.Gly228Cys; c.682G>T (NM_016306.4); c.406G>T, p.Gly136Cys (NM_001378451.1); short protein forms G136C, G228C.
Identifiers: ClinVar variation 2682855 (VCV002682855.2), dbSNP rs2474578212, ClinGen allele CA355715331.

ClinVar aggregate classification (germline): Conflicting classifications of pathogenicity. Review status: criteria provided, conflicting classifications (1 of 4 stars). 3 submissions from 3 submitters: Likely pathogenic (1); Uncertain significance (2). Last evaluated 2026-01-30.

Conditions:
Autosomal dominant polycystic kidney disease. Identifiers: Orphanet 730, MedGen C0085413, MONDO:0004691.

gnomAD v4.1: 5 of 1,610,298 alleles (0.00031%); highest among the groups gnomAD compares: Non-Finnish European, 0.00042%; no homozygotes.

Submissions (3):

Mayo Translational Polycystic Kidney Disease Center, Mayo Clinic
Classification: Likely pathogenic for Autosomal dominant polycystic kidney disease. Last evaluated: 2026-01-30. Review status: criteria provided, single submitter. Criteria: ACMG Guidelines, 2015. Collection method: research. Allele origin: germline. Inheritance: Autosomal dominant inheritance. Affected: yes.
Comment: The c.682G>T variant in the DNAJB11 gene results in a missense substitution of glycine to cystine at codon 228 (p.Gly228Cys). This residue is highly conserved across species, suggesting functional importance. Multiple in silico prediction tools predict a deleterious effect on protein function, supporting PP3. The variant is extremely rare (<0.01%) in gnomAD v4.1.0, consistent with PM2. It has been observed in two affected individuals within a family with mild polycystic kidney disease, lending support to PP1 and PP4 (PMID: 32631624).

Labcorp Genetics (formerly Invitae), Labcorp
Classification: Uncertain significance. Last evaluated: 2025-12-09. Review status: criteria provided, single submitter. Criteria: Invitae Variant Classification Sherloc (09022015). Collection method: clinical testing. Allele origin: germline.
Comment: This sequence change replaces glycine, which is neutral and non-polar, with cysteine, which is neutral and slightly polar, at codon 228 of the DNAJB11 protein (p.Gly228Cys). This variant also falls at the last nucleotide of exon 6, which is part of the consensus splice site for this exon. This variant is not present in population databases (gnomAD no frequency). This missense change has been observed in individual(s) with clinical features of DNAJB11 nephropathy (PMID: 32631624). ClinVar contains an entry for this variant (Variation ID: 2682855). An algorithm developed to predict the effect of missense changes on protein structure and function (PolyPhen-2) suggests that this variant is likely to be disruptive. Variants that disrupt the consensus splice site are a relatively common cause of aberrant splicing (PMID: 17576681, 9536098). Algorithms developed to predict the effect of sequence changes on RNA splicing suggest that this variant may disrupt the consensus splice site. In summary, the available evidence is currently insufficient to determine the role of this variant in disease. Therefore, it has been classified as a Variant of Uncertain Significance.

Mayo Clinic Laboratories, Mayo Clinic
Classification: Uncertain significance. Last evaluated: 2023-02-13. Review status: criteria provided, single submitter. Criteria: ACMG Guidelines, 2015. Collection method: clinical testing. Allele origin: germline. Observed: 1 variant allele.
Comment: PP3, PM2_supporting, PS4_moderate

Literature cited by the submitters: PubMed 32631624 (cited by 3 submitters); PubMed 17576681 (cited by Labcorp Genetics (formerly Invitae), Labcorp); PubMed 9536098 (cited by Labcorp Genetics (formerly Invitae), Labcorp).